The following is an entry in ClinVar:

ClinVar aggregate classification (germline): Uncertain significance (1 of 4 stars; one submission).

gnomAD v4.1: 2 of 1,614,120 alleles (0.00012%); highest among the groups gnomAD compares: South Asian, 0.0011%; no homozygotes.

Submission:

Labcorp Genetics (formerly Invitae), Labcorp
Classification: Uncertain significance. Last evaluated: 2022-06-20. Review status: criteria provided, single submitter. Criteria: Invitae Variant Classification Sherloc (09022015). Collection method: clinical testing. Allele origin: germline.
Comment: In summary, the available evidence is currently insufficient to determine the role of this variant in disease. Therefore, it has been classified as a Variant of Uncertain Significance. Algorithms developed to predict the effect of missense changes on protein structure and function are either unavailable or do not agree on the potential impact of this missense change (SIFT: "Tolerated"; PolyPhen-2: "Possibly Damaging"; Align-GVGD: "Class C0"). This variant has not been reported in the literature in individuals affected with GALNT12-related conditions. This variant is present in population databases (no rsID available, gnomAD 0.003%). This sequence change replaces methionine, which is neutral and non-polar, with threonine, which is neutral and polar, at codon 298 of the GALNT12 protein (p.Met298Thr).

NM_024642.5(GALNT12):c.893T>C (p.Met298Thr)

Gene: GALNT12 (polypeptide N-acetylgalactosaminyltransferase 12; plus strand). Cytogenetic location: 9q22.33.
Variant type: single nucleotide variant.
Coding change: c.893T>C on transcript NM_024642.5 (MANE Select); coding-DNA position 893, T replaced by C.
Protein change: p.Met298Thr; replaces methionine 298 with threonine.
Molecular consequence: missense variant.
Genome position (GRCh38, 1-based): chr9:98,831,933, T>C. VCF-style: chr9-98831933-T-C. GRCh37 (hg19) VCF-style: chr9-101594215-T-C.
Other names: short protein forms M298T.
Identifiers: ClinVar variation 2067238 (VCV002067238.4), dbSNP rs1177891875, ClinGen allele CA374218349.
Genomic context (GRCh38, chr9:98,831,933, plus strand): 5'-GTTTCGACTGGAGGCTGGTGTTCACGTGGCACACAGTTCCTGAGAGGGAGAGGATACGGA[T>C]GCAATCCCCCGTCGATGTCATCAGGTCAGGAGCTGACTTCTGGGTGACTTGTTTTTTAAG-3'
Protein context (NP_078918.3, residues 288-308): HTVPERERIR[Met298Thr]QSPVDVIRSP